The following is an entry in ClinVar:

NM_001369.3(DNAH5):c.10169A>G (p.Asp3390Gly)

Gene: DNAH5 (dynein axonemal heavy chain 5; minus strand). Cytogenetic location: 5p15.2.
Variant type: single nucleotide variant.
Coding change: c.10169A>G on transcript NM_001369.3 (MANE Select); coding-DNA position 10169, A replaced by G.
Protein change: p.Asp3390Gly; replaces aspartic acid 3390 with glycine.
Molecular consequence: missense variant.
Genome position (GRCh38, 1-based): chr5:13,762,834, T>C on the plus strand (A>G on the coding strand, the complement: DNAH5 is on the minus strand). VCF-style: chr5-13762834-T-C. GRCh37 (hg19) VCF-style: chr5-13762943-T-C.
Other names: short protein forms D3390G.
Identifiers: ClinVar variation 5003497 (VCV005003497.1).
Genomic context (GRCh38, chr5:13,762,834, plus strand): 5'-GTCCAGGAACAAAGACCAGCTACATTTCCACATACGCGTTTAGCAGTTTCGATGTTATAG[T>C]CAGGCATTTCAAAGTAAGGACTCAAAAATTCTATCACCTCTTCATTGATTGTGTCTTTTG-3'
Protein context (NP_001360.1, residues 3380-3400): EFLSPYFEMP[Asp3390Gly]YNIETAKRVC

ClinVar aggregate classification (germline): Uncertain significance (1 of 4 stars; one submission).

Conditions:
Primary ciliary dyskinesia 3. Identifiers: Orphanet 244, MedGen C1837618, MONDO:0012085, OMIM 608644.

gnomAD v4.1: 1 of 1,614,028 alleles (0.000062%); highest among the groups gnomAD compares: East Asian, 0.0022%; no homozygotes.

Submission:

Myriad Genetics, Inc.
Classification: Uncertain significance for Primary ciliary dyskinesia 3. Last evaluated: 2025-09-09. Review status: criteria provided, single submitter. Criteria: Myriad Autosomal Dominant, Autosomal Recessive and X-Linked Classification Criteria (2023). Collection method: clinical testing. Allele origin: unknown.
Comment: NM_001369.2(DNAH5):c.10169A>G(D3390G) is a missense variant classified as a variant of uncertain significance in the context of primary ciliary dyskinesia, DNAH5-related. D3390G has not been observed in cases with relevant disease. Relevant functional assessments of this variant are not available in the literature. D3390G has not been observed in referenced population frequency databases. In summary, there is insufficient evidence to classify NM_001369.2(DNAH5):c.10169A>G(D3390G) as pathogenic or benign. Please note: this variant was assessed in the context of healthy population screening.